The following is an entry in ClinVar:

NM_014915.3(ANKRD26):c.4171A>C (p.Ser1391Arg)

Gene: ANKRD26 (ankyrin repeat domain containing 26; minus strand). Cytogenetic location: 10p12.1.
Variant type: single nucleotide variant.
Coding change: c.4171A>C on transcript NM_014915.3 (MANE Select); coding-DNA position 4171, A replaced by C.
Protein change: p.Ser1391Arg; replaces serine 1391 with arginine.
Molecular consequence: missense variant.
Genome position (GRCh38, 1-based): chr10:27,022,602, T>G on the plus strand (A>C on the coding strand, the complement: ANKRD26 is on the minus strand). VCF-style: chr10-27022602-T-G. GRCh37 (hg19) VCF-style: chr10-27311531-T-G.
Other names: c.4168A>C, p.Ser1390Arg (NM_001256053.2); short protein forms S1390R, S1391R.
Identifiers: ClinVar variation 3603253 (VCV003603253.3).

ClinVar aggregate classification (germline): Uncertain significance. Review status: criteria provided, multiple submitters, no conflicts (2 of 4 stars). 2 submissions from 2 submitters: Uncertain significance (2). Last evaluated 2025-03-30.

Conditions:
Inborn genetic diseases. Identifiers: MedGen C0950123, MeSH D030342.

gnomAD v4.1: 13 of 1,552,634 alleles (0.00084%); highest among the groups gnomAD compares: Non-Finnish European, 0.0012%; no homozygotes.

Submissions (2):

Ambry Genetics
Classification: Uncertain significance for Inborn genetic diseases. Last evaluated: 2025-03-30. Review status: criteria provided, single submitter. Criteria: Ambry Variant Classification Scheme 2023. Collection method: clinical testing. Allele origin: germline.
Comment: The p.S1391R variant (also known as c.4171A>C), located in coding exon 29 of the ANKRD26 gene, results from an A to C substitution at nucleotide position 4171. The serine at codon 1391 is replaced by arginine, an amino acid with dissimilar properties. This amino acid position is conserved. In addition, this alteration is predicted to be tolerated by in silico analysis. Based on the available evidence, the clinical significance of this variant remains unclear.

GeneDx
Classification: Uncertain significance. Last evaluated: 2024-08-07. Review status: criteria provided, single submitter. Criteria: GeneDx Variant Classification Process June 2021. Collection method: clinical testing. Allele origin: germline. Affected: yes.
Comment: Not observed at significant frequency in large population cohorts (gnomAD); In silico analysis indicates that this missense variant does not alter protein structure/function; Has not been previously published as pathogenic or benign to our knowledge